The following is an entry in ClinVar:

ClinVar aggregate classification (germline): Uncertain significance. Review status: criteria provided, multiple submitters, no conflicts (2 of 4 stars). 2 submissions from 2 submitters: Uncertain significance (2). Last evaluated 2025-06-24.

Allele frequency attached by ClinVar (database versions not stated): ExAC 0.00003; gnomAD 0.00003; gnomAD exomes 0.00003; TOPMed 0.00005.
gnomAD v4.1: 43 of 1,583,860 alleles (0.0027%); highest among the groups gnomAD compares: Admixed American, 0.0037%; no homozygotes.

Submissions (2):

Ambry Genetics
Classification: Uncertain significance. Last evaluated: 2025-06-24. Review status: criteria provided, single submitter. Criteria: Ambry Variant Classification Scheme 2023. Collection method: clinical testing. Allele origin: germline.

Labcorp Genetics (formerly Invitae), Labcorp
Classification: Uncertain significance. Last evaluated: 2022-11-03. Review status: criteria provided, single submitter. Criteria: Invitae Variant Classification Sherloc (09022015). Collection method: clinical testing. Allele origin: germline.
Comment: This sequence change replaces threonine, which is neutral and polar, with methionine, which is neutral and non-polar, at codon 59 of the PALM protein (p.Thr59Met). The frequency data for this variant in the population databases is considered unreliable, as metrics indicate poor data quality at this position in the gnomAD database. This variant has not been reported in the literature in individuals affected with PALM-related conditions. Algorithms developed to predict the effect of missense changes on protein structure and function are either unavailable or do not agree on the potential impact of this missense change (SIFT: "Deleterious"; PolyPhen-2: "Benign"; Align-GVGD: "Class C0"). In summary, the available evidence is currently insufficient to determine the role of this variant in disease. Therefore, it has been classified as a Variant of Uncertain Significance.

NM_002579.3(PALM):c.176C>T (p.Thr59Met)

Gene: PALM (paralemmin; plus strand). Cytogenetic location: 19p13.3.
Variant type: single nucleotide variant.
Coding change: c.176C>T on transcript NM_002579.3 (MANE Select); coding-DNA position 176, C replaced by T.
Protein change: p.Thr59Met; replaces threonine 59 with methionine.
Molecular consequence: missense variant.
Genome position (GRCh38, 1-based): chr19:727,601, C>T. VCF-style: chr19-727601-C-T. GRCh37 (hg19) VCF-style: chr19-727601-C-T.
Other names: c.176C>T, p.Thr59Met (NM_001040134.2); c.176C>T (NM_002579.2); short protein forms T59M.
Identifiers: ClinVar variation 2177072 (VCV002177072.7), dbSNP rs756317240, ClinGen allele CA9022457.